The following is an entry in ClinVar:

NM_001267550.2(TTN):c.89572C>T (p.Gln29858Ter)

Genes: TTN (titin; minus strand), TTN-AS1 (TTN antisense RNA 1; plus strand). Cytogenetic location: 2q31.2.
Variant type: single nucleotide variant.
Coding change: c.89572C>T on transcript NM_001267550.2 (MANE Select); coding-DNA position 89572, C replaced by T.
Protein change: p.Gln29858Ter; replaces glutamine 29858 with a stop codon.
Molecular consequence: nonsense.
Genome position (GRCh38, 1-based): chr2:178,553,328, G>A on the plus strand (C>T on the coding strand, the complement: TTN is on the minus strand). VCF-style: chr2-178553328-G-A. GRCh37 (hg19) VCF-style: chr2-179418055-G-A.
Other names: c.84649C>T, p.Gln28217Ter (NM_001256850.1); c.62377C>T, p.Gln20793Ter (NM_003319.4); c.81868C>T, p.Gln27290Ter (NM_133378.4); c.62752C>T, p.Gln20918Ter (NM_133432.3); c.62953C>T, p.Gln20985Ter (NM_133437.4); short protein forms Q20793*, Q29858*, Q20985*, Q27290*, Q28217*, Q20918*.
Identifiers: ClinVar variation 816961 (VCV000816961.1), dbSNP rs1316523481, ClinGen allele CA349517620.

ClinVar aggregate classification (germline): Pathogenic (1 of 4 stars; one submission).

Submission:

GeneDx
Classification: Pathogenic. Last evaluated: 2019-01-23. Review status: criteria provided, single submitter. Criteria: GeneDx Variant Classification (06012015). Collection method: clinical testing. Allele origin: germline. Affected: yes.
Comment: The Q28217X pathogenic variant in the TTN gene has not been published as pathogenic or benign to our knowledge. Q28217X is predicted to cause loss of normal protein function either due to production of an abnormal, prematurely truncated protein, or by absence of protein product due to nonsense mediated mRNA decay. Other truncating TTN variants have been reported in approximately 3% of control alleles (Herman et al., 2012). However, Q28217X is located in the A-band region of titin, where the majority of truncating pathogenic variants associated with DCM have been reported (Herman et al., 2012). Furthermore, the Q28217X variant has not been observed in large population cohorts (Lek et al., 2016). In summary, Q28217X in the TTN gene is interpreted as a pathogenic variant.